The following is an entry in ClinVar:

ClinVar aggregate classification (germline): Uncertain significance (1 of 4 stars; one submission).

gnomAD v4.1: 2 of 1,614,000 alleles (0.00012%); highest among the groups gnomAD compares: Non-Finnish European, 0.00017%; no homozygotes.

Submission:

Labcorp Genetics (formerly Invitae), Labcorp
Classification: Uncertain significance. Last evaluated: 2024-04-25. Review status: criteria provided, single submitter. Criteria: Invitae Variant Classification Sherloc (09022015). Collection method: clinical testing. Allele origin: germline.
Comment: This sequence change replaces serine, which is neutral and polar, with tyrosine, which is neutral and polar, at codon 527 of the COL7A1 protein (p.Ser527Tyr). This variant is not present in population databases (gnomAD no frequency). This variant has not been reported in the literature in individuals affected with COL7A1-related conditions. Advanced modeling of protein sequence and biophysical properties (such as structural, functional, and spatial information, amino acid conservation, physicochemical variation, residue mobility, and thermodynamic stability) performed at Invitae indicates that this missense variant is not expected to disrupt COL7A1 protein function with a negative predictive value of 95%. In summary, the available evidence is currently insufficient to determine the role of this variant in disease. Therefore, it has been classified as a Variant of Uncertain Significance.

NM_000094.4(COL7A1):c.1580C>A (p.Ser527Tyr)

Gene: COL7A1 (collagen type VII alpha 1 chain; minus strand). Cytogenetic location: 3p21.31.
Variant type: single nucleotide variant.
Coding change: c.1580C>A on transcript NM_000094.4 (MANE Select); coding-DNA position 1580, C replaced by A.
Protein change: p.Ser527Tyr; replaces serine 527 with tyrosine.
Molecular consequence: missense variant.
Genome position (GRCh38, 1-based): chr3:48,591,520, G>T on the plus strand (C>A on the coding strand, the complement: COL7A1 is on the minus strand). VCF-style: chr3-48591520-G-T. GRCh37 (hg19) VCF-style: chr3-48628953-G-T.
Other names: short protein forms S527Y.
Identifiers: ClinVar variation 3696244 (VCV003696244.2).